The following is an entry in ClinVar:

ClinVar aggregate classification (germline): Uncertain significance (1 of 4 stars; one submission).

Conditions:
Majeed syndrome (MJDS). Also called: LPIN2-Related Majeed Syndrome; CHRONIC RECURRENT MULTIFOCAL OSTEOMYELITIS 1, WITH CONGENITAL DYSERYTHROPOIETIC ANEMIA, WITH OR WITHOUT NEUTROPHILIC DERMATOSIS. Identifiers: Orphanet 77297, MedGen C1864997, MONDO:0012316, OMIM 609628.

Submission:

Labcorp Genetics (formerly Invitae), Labcorp
Classification: Uncertain significance for Majeed syndrome. Last evaluated: 2024-04-15. Review status: criteria provided, single submitter. Criteria: Invitae Variant Classification Sherloc (09022015). Collection method: clinical testing. Allele origin: germline.
Comment: This sequence change replaces proline, which is neutral and non-polar, with serine, which is neutral and polar, at codon 212 of the LPIN2 protein (p.Pro212Ser). This variant is not present in population databases (gnomAD no frequency). This variant has not been reported in the literature in individuals affected with LPIN2-related conditions. Advanced modeling of protein sequence and biophysical properties (such as structural, functional, and spatial information, amino acid conservation, physicochemical variation, residue mobility, and thermodynamic stability) performed at Invitae indicates that this missense variant is not expected to disrupt LPIN2 protein function with a negative predictive value of 80%. In summary, the available evidence is currently insufficient to determine the role of this variant in disease. Therefore, it has been classified as a Variant of Uncertain Significance.

NM_001375808.2(LPIN2):c.634C>T (p.Pro212Ser)

Gene: LPIN2 (lipin 2; minus strand). Cytogenetic location: 18p11.31.
Variant type: single nucleotide variant.
Coding change: c.634C>T on transcript NM_001375808.2 (MANE Select); coding-DNA position 634, C replaced by T.
Protein change: p.Pro212Ser; replaces proline 212 with serine.
Molecular consequence: missense variant.
Genome position (GRCh38, 1-based): chr18:2,940,669, G>A on the plus strand (C>T on the coding strand, the complement: LPIN2 is on the minus strand). VCF-style: chr18-2940669-G-A. GRCh37 (hg19) VCF-style: chr18-2940667-G-A.
Other names: c.634C>T, p.Pro212Ser (NM_001375809.1, NM_014646.2); short protein forms P212S.
Identifiers: ClinVar variation 3650016 (VCV003650016.2).